The following is an entry in ClinVar:

NM_001032283.3(TMPO):c.398C>T (p.Pro133Leu)

Gene: TMPO (thymopoietin; plus strand). Cytogenetic location: 12q23.1.
Variant type: single nucleotide variant.
Coding change: c.398C>T on transcript NM_001032283.3 (MANE Select); coding-DNA position 398, C replaced by T.
Protein change: p.Pro133Leu; replaces proline 133 with leucine.
Molecular consequence: missense variant.
Genome position (GRCh38, 1-based): chr12:98,528,004, C>T. VCF-style: chr12-98528004-C-T. GRCh37 (hg19) VCF-style: chr12-98921782-C-T.
Other names: p.P133L:CCT>CTT; c.398C>T, p.Pro133Leu (NM_001032284.3, NM_001307975.2, NM_003276.2); short protein forms P133L.
Identifiers: ClinVar variation 202140 (VCV000202140.2), dbSNP rs794729185, ClinGen allele CA308909.

ClinVar aggregate classification (germline): Uncertain significance (1 of 4 stars; one submission).

Submission:

GeneDx
Classification: Uncertain significance. Last evaluated: 2014-08-27. Review status: criteria provided, single submitter. Criteria: GeneDx Variant Classification (06012015). Collection method: clinical testing. Allele origin: germline. Affected: yes.
Comment: A variant of unknown significance has been identified in the TMPO gene. The P133L variant has not been published as a mutation, nor has it been reported as a benign polymorphism to our knowledge. The P133L variant was not observed in approximately 6,500 individuals of European and African American ancestry in the NHLBI Exome Sequencing Project, indicating it is not a common benign variant in these populations. Additionally, this substitution occurs at a position that is conserved across species and in silico analysis predicts this variant is probably damaging to the protein structure/function. However, the P133L variant is a conservative amino acid substitution, which is not likely to impact secondary protein structure as these residues share similar properties. Furthermore, missense mutations in nearby residues have not been reported, indicating this region of the protein may be tolerant of change. Therefore, based on the currently available information, it is unclear whether this variant is a pathogenic mutation or a rare benign variant. The variant is found in CARDIOMYOPATHY panel(s).